The following is an entry in ClinVar:

NM_000061.3(BTK):c.1556A>C (p.His519Pro)

Gene: BTK (Bruton tyrosine kinase; minus strand). Cytogenetic location: Xq22.1.
Variant type: single nucleotide variant.
Coding change: c.1556A>C on transcript NM_000061.3 (MANE Select); coding-DNA position 1556, A replaced by C.
Protein change: p.His519Pro; replaces histidine 519 with proline.
Molecular consequence: missense variant. On other transcripts: intron variant (1).
Genome position (GRCh38, 1-based): chrX:101,356,062, T>G on the plus strand (A>C on the coding strand, the complement: BTK is on the minus strand). VCF-style: chrX-101356062-T-G. GRCh37 (hg19) VCF-style: chrX-100611050-T-G.
Other names: c.1658A>C, p.His553Pro (NM_001287344.2); c.1039-1368A>C (NM_001287345.2); short protein forms H519P, H553P.
Identifiers: ClinVar variation 2035116 (VCV002035116.4), dbSNP rs2520551373, ClinGen allele CA413922981.

ClinVar aggregate classification (germline): Uncertain significance (1 of 4 stars; one submission).

Conditions:
X-linked agammaglobulinemia with growth hormone deficiency (IGHD3). Also called: AGAMMAGLOBULINEMIA AND ISOLATED GROWTH HORMONE DEFICIENCY, X-LINKED; FLEISHER SYNDROME; HYPOGAMMAGLOBULINEMIA AND ISOLATED GROWTH HORMONE DEFICIENCY, X-LINKED; IGHD III; Isolated growth hormone deficiency type 3; Growth hormone deficiency with hypogammaglobulinemia. Identifiers: Orphanet 231692, Orphanet 631, MedGen C0472813, MONDO:0010615, OMIM 307200.

Submission:

Labcorp Genetics (formerly Invitae), Labcorp
Classification: Uncertain significance for X-linked agammaglobulinemia with growth hormone deficiency. Last evaluated: 2023-06-16. Review status: criteria provided, single submitter. Criteria: Invitae Variant Classification Sherloc (09022015). Collection method: clinical testing. Allele origin: germline.
Comment: In summary, the available evidence is currently insufficient to determine the role of this variant in disease. Therefore, it has been classified as a Variant of Uncertain Significance. This variant disrupts the p.His519 amino acid residue in BTK. Other variant(s) that disrupt this residue have been observed in individuals with BTK-related conditions (PMID: 25777788, 30882382; Invitae), which suggests that this may be a clinically significant amino acid residue. Advanced modeling of protein sequence and biophysical properties (such as structural, functional, and spatial information, amino acid conservation, physicochemical variation, residue mobility, and thermodynamic stability) performed at Invitae indicates that this missense variant is expected to disrupt BTK protein function. This sequence change replaces histidine, which is basic and polar, with proline, which is neutral and non-polar, at codon 519 of the BTK protein (p.His519Pro). This variant is not present in population databases (gnomAD no frequency). This missense change has been observed in individual(s) with agammaglobulinemia (Invitae). ClinVar contains an entry for this variant (Variation ID: 2035116).

Literature cited by the submitters: PubMed 25777788; PubMed 30882382.